The following is an entry in ClinVar:

NM_006516.4(SLC2A1):c.1216G>T (p.Val406Phe)

Gene: SLC2A1 (solute carrier family 2 member 1; minus strand). Cytogenetic location: 1p34.2.
Variant type: single nucleotide variant.
Coding change: c.1216G>T on transcript NM_006516.4 (MANE Select); coding-DNA position 1216, G replaced by T.
Protein change: p.Val406Phe; replaces valine 406 with phenylalanine.
Molecular consequence: missense variant.
Genome position (GRCh38, 1-based): chr1:42,927,667, C>A on the plus strand (G>T on the coding strand, the complement: SLC2A1 is on the minus strand). VCF-style: chr1-42927667-C-A. GRCh37 (hg19) VCF-style: chr1-43393338-C-A.
Other names: short protein forms V406F.
Identifiers: ClinVar variation 2573927 (VCV002573927.1), dbSNP rs148800393, ClinGen allele CA339953763.

ClinVar aggregate classification (germline): Uncertain significance (1 of 4 stars; one submission).

Submission:

GeneDx
Classification: Uncertain significance. Last evaluated: 2023-01-09. Review status: criteria provided, single submitter. Criteria: GeneDx Variant Classification Process June 2021. Collection method: clinical testing. Allele origin: germline. Affected: yes.
Comment: Not observed at significant frequency in large population cohorts (gnomAD); In silico analysis supports that this missense variant has a deleterious effect on protein structure/function; Has not been previously published as pathogenic or benign to our knowledge